The following is an entry in ClinVar:

NM_003737.4(DCHS1):c.5844C>G (p.Ile1948Met)

Gene: DCHS1 (dachsous cadherin-related 1; minus strand). Cytogenetic location: 11p15.4.
Variant type: single nucleotide variant.
Coding change: c.5844C>G on transcript NM_003737.4 (MANE Select); coding-DNA position 5844, C replaced by G.
Protein change: p.Ile1948Met; replaces isoleucine 1948 with methionine.
Molecular consequence: missense variant.
Genome position (GRCh38, 1-based): chr11:6,627,195, G>C on the plus strand (C>G on the coding strand, the complement: DCHS1 is on the minus strand). VCF-style: chr11-6627195-G-C. GRCh37 (hg19) VCF-style: chr11-6648426-G-C.
Other names: short protein forms I1948M.
Identifiers: ClinVar variation 1358880 (VCV001358880.8), dbSNP rs768802065, ClinGen allele CA5860015.

ClinVar aggregate classification (germline): Uncertain significance (1 of 4 stars; one submission).

Allele frequency attached by ClinVar (database versions not stated): gnomAD exomes below 0.00001; TOPMed below 0.00001; ExAC 0.00001; gnomAD 0.00001.
gnomAD v4.1: 5 of 1,613,018 alleles (0.00031%); highest among the groups gnomAD compares: Non-Finnish European, 0.00042%; no homozygotes.

Submission:

Labcorp Genetics (formerly Invitae), Labcorp
Classification: Uncertain significance. Last evaluated: 2025-02-06. Review status: criteria provided, single submitter. Criteria: Invitae Variant Classification Sherloc (09022015). Collection method: clinical testing. Allele origin: germline.
Comment: This sequence change replaces isoleucine, which is neutral and non-polar, with methionine, which is neutral and non-polar, at codon 1948 of the DCHS1 protein (p.Ile1948Met). This variant is present in population databases (rs768802065, gnomAD 0.0009%). This variant has not been reported in the literature in individuals affected with DCHS1-related conditions. ClinVar contains an entry for this variant (Variation ID: 1358880). Invitae Evidence Modeling of protein sequence and biophysical properties (such as structural, functional, and spatial information, amino acid conservation, physicochemical variation, residue mobility, and thermodynamic stability) indicates that this missense variant is not expected to disrupt DCHS1 protein function with a negative predictive value of 80%. In summary, the available evidence is currently insufficient to determine the role of this variant in disease. Therefore, it has been classified as a Variant of Uncertain Significance.